The following is an entry in ClinVar:

ClinVar aggregate classification (germline): Likely pathogenic (1 of 4 stars; one submission).

gnomAD v4.1: 3 of 1,613,800 alleles (0.00019%); highest among the groups gnomAD compares: Admixed American, 0.0017%; no homozygotes.

Submission:

Labcorp Genetics (formerly Invitae), Labcorp
Classification: Likely pathogenic. Last evaluated: 2023-04-14. Review status: criteria provided, single submitter. Criteria: Invitae Variant Classification Sherloc (09022015). Collection method: clinical testing. Allele origin: germline.
Comment: In summary, the currently available evidence indicates that the variant is pathogenic, but additional data are needed to prove that conclusively. Therefore, this variant has been classified as Likely Pathogenic. This sequence change affects an acceptor splice site in intron 39 of the TTC37 gene. It is expected to disrupt RNA splicing. Variants that disrupt the donor or acceptor splice site typically lead to a loss of protein function (PMID: 16199547), and loss-of-function variants in TTC37 are known to be pathogenic (PMID: 20176027, 21120949). This variant is present in population databases (no rsID available, gnomAD 0.003%). This variant has not been reported in the literature in individuals affected with TTC37-related conditions. Algorithms developed to predict the effect of sequence changes on RNA splicing suggest that this variant may disrupt the consensus splice site.

Literature cited by the submitters: PubMed 16199547; PubMed 20176027; PubMed 21120949.

NM_014639.4(SKIC3):c.4213-2A>G

Gene: SKIC3 (SKI3 subunit of superkiller complex; minus strand). Cytogenetic location: 5q15.
Variant type: single nucleotide variant.
Coding change: c.4213-2A>G on transcript NM_014639.4 (MANE Select); the canonical splice acceptor site of the intron before coding-DNA position 4213, A replaced by G.
Molecular consequence: splice acceptor variant.
Genome position (GRCh38, 1-based): chr5:95,478,444, T>C on the plus strand (A>G on the coding strand, the complement: SKIC3 is on the minus strand). VCF-style: chr5-95478444-T-C. GRCh37 (hg19) VCF-style: chr5-94814148-T-C.
Identifiers: ClinVar variation 2798405 (VCV002798405.3), dbSNP rs752633620, ClinGen allele CA360443144.